The following is an entry in ClinVar:

ClinVar aggregate classification (germline): Uncertain significance (1 of 4 stars; one submission).

Submission:

Labcorp Genetics (formerly Invitae), Labcorp
Classification: Uncertain significance. Last evaluated: 2024-05-23. Review status: criteria provided, single submitter. Criteria: Invitae Variant Classification Sherloc (09022015). Collection method: clinical testing. Allele origin: germline.
Comment: This sequence change creates a premature translational stop signal (p.Phe305Serfs*39) in the FSCN2 gene. It is expected to result in an absent or disrupted protein product. However, the current clinical and genetic evidence is not sufficient to establish whether loss-of-function variants in FSCN2 cause disease. This variant is not present in population databases (gnomAD no frequency). This variant has not been reported in the literature in individuals affected with FSCN2-related conditions. In summary, the available evidence is currently insufficient to determine the role of this variant in disease. Therefore, it has been classified as a Variant of Uncertain Significance.

NM_012418.4(FSCN2):c.912del (p.Phe305fs)

Gene: FSCN2 (fascin actin-bundling protein 2, retinal; plus strand). Cytogenetic location: 17q25.3.
Variant type: Deletion.
Coding change: c.912del on transcript NM_012418.4 (MANE Select); coding-DNA position 912, one base deleted (C; older notation c.912delC).
Protein change: p.Phe305fs; shifts the reading frame from phenylalanine 305.
Molecular consequence: frameshift variant.
Genome position (GRCh38, 1-based): chr17:81,535,137, C deleted; the last of 2 consecutive C bases (chr17:81,535,136-81,535,137); deleting either gives the same sequence. VCF-style (leftmost placement, unchanged base first): chr17-81535135-AC-A. GRCh37 (hg19) VCF-style: chr17-79502161-AC-A.
Other names: c.912del, p.Phe305fs (NM_001077182.3); short protein forms F305fs.
Identifiers: ClinVar variation 3685653 (VCV003685653.2).